The following is an entry in ClinVar:

ClinVar aggregate classification (germline): Likely benign (0 of 4 stars; one submission).

Conditions:
ITGB6-related disorder. Also called: ITGB6-related condition.

Allele frequency attached by ClinVar (database versions not stated): ExAC 0.00001; gnomAD 0.00003; TOPMed 0.00005.
gnomAD v4.1: 108 of 1,613,658 alleles (0.0067%); highest among the groups gnomAD compares: Non-Finnish European, 0.0065%; no homozygotes.

Submission:

PreventionGenetics, part of Exact Sciences
Classification: Likely benign for ITGB6-related condition. Last evaluated: 2019-08-13. Review status: no assertion criteria provided. Collection method: clinical testing. Allele origin: germline.
Comment: This variant is classified as likely benign based on ACMG/AMP sequence variant interpretation guidelines (Richards et al. 2015 PMID: 25741868, with internal and published modifications).

NM_000888.5(ITGB6):c.1962G>A (p.Ala654=)

Gene: ITGB6 (integrin subunit beta 6; minus strand). Cytogenetic location: 2q24.2.
Variant type: single nucleotide variant.
Coding change: c.1962G>A on transcript NM_000888.5 (MANE Select); coding-DNA position 1962, G replaced by A.
Protein change: p.Ala654=; no amino-acid change (alanine 654 retained).
Molecular consequence: synonymous variant. On other transcripts: intron variant (1).
Genome position (GRCh38, 1-based): chr2:160,123,810, C>T on the plus strand (G>A on the coding strand, the complement: ITGB6 is on the minus strand). VCF-style: chr2-160123810-C-T. GRCh37 (hg19) VCF-style: chr2-160980321-C-T.
Other names: c.1962G>A, p.Ala654= (NM_001282353.2); c.1677G>A, p.Ala559= (NM_001282354.2); c.1836G>A, p.Ala612= (NM_001282388.2); c.1743G>A, p.Ala581= (NM_001282389.2); c.1548G>A, p.Ala516= (NM_001282390.2); c.1661-11611G>A (NM_001282355.2).
Identifiers: ClinVar variation 3035739 (VCV003035739.2), dbSNP rs201818641, ClinGen allele CA1929063.